The following is an entry in ClinVar:

ClinVar aggregate classification (germline): Benign/Likely benign. Review status: criteria provided, multiple submitters, no conflicts (2 of 4 stars). 18 submissions from 18 submitters: Benign (7); Likely benign (9). 2 of the submissions do not count toward it. Last evaluated 2026-09-01.

Conditions:
Juvenile polyposis syndrome (JPS). Identifiers: Orphanet 2929, MedGen C0345893, MONDO:0017380, OMIM 174900.
BMPR1A-related disorder. Also called: BMPR1A-related condition.
Familial colorectal cancer type X. Identifiers: Orphanet 440437, MedGen C3896578, MONDO:0018604.
Hereditary cancer-predisposing syndrome. Also called: Hereditary neoplastic syndrome; Tumor predisposition; Neoplastic Syndromes, Hereditary; Hereditary Cancer Syndrome. Identifiers: Orphanet 140162, MedGen C0027672, MeSH D009386, MONDO:0015356.
Pulmonary arterial hypertension. Identifiers: Orphanet 182090, MedGen C2973725, MeSH D000081029, MONDO:0015924, HP:0002092.
Generalized juvenile polyposis/juvenile polyposis coli. Also called: Juvenile polyposis coli. Identifiers: Orphanet 329971, MedGen C1868081, MONDO:0008276.

Allele frequency attached by ClinVar (database versions not stated): ESP Exome Variant Server 0.00008; gnomAD exomes 0.00008 and 0.00020; gnomAD 0.00010 and 0.00011; TOPMed 0.00017; ExAC 0.00021.
gnomAD v4.1: 153 of 1,613,838 alleles (0.0095%); highest among the groups gnomAD compares: Admixed American, 0.062%; no homozygotes.

Submissions (18):

CeGaT Center for Human Genetics Tuebingen
Classification: Likely benign. Last evaluated: 2026-09-01. Review status: criteria provided, single submitter. Criteria: CeGaT Center For Human Genetics Tuebingen Variant Classification Criteria Version 2. Collection method: clinical testing. Allele origin: germline. Affected: yes. Observed: 5 variant alleles.
Comment: BMPR1A: BP4, BS1

Labcorp Genetics (formerly Invitae), Labcorp
Classification: Benign for Juvenile polyposis syndrome. Last evaluated: 2026-02-01. Review status: criteria provided, single submitter. Criteria: Invitae Variant Classification Sherloc (09022015). Collection method: clinical testing. Allele origin: germline.

Mayo Clinic Laboratories, Mayo Clinic
Classification: Likely benign. Last evaluated: 2025-07-16. Review status: criteria provided, single submitter. Criteria: ACMG Guidelines, 2015. Collection method: clinical testing. Allele origin: germline. Observed: 1 variant allele.
Comment: BP4, BP7

Center for Genomic Medicine, Rigshospitalet, Copenhagen University Hospital
Classification: Likely benign. Last evaluated: 2025-03-04. Review status: criteria provided, single submitter. Criteria: ACMG Guidelines, 2015. Collection method: clinical testing. Allele origin: germline.

Blueprint Genetics
Classification: Likely benign. Last evaluated: 2024-11-05. Review status: criteria provided, single submitter. Criteria: ACMG Guidelines, 2015. Collection method: clinical testing. Allele origin: germline.

Myriad Genetics, Inc.
Classification: Benign for Juvenile polyposis syndrome. Last evaluated: 2024-08-05. Review status: criteria provided, single submitter. Criteria: Myriad Autosomal Dominant, Autosomal Recessive and X-Linked Classification Criteria (2023). Collection method: clinical testing. Allele origin: unknown.
Comment: This variant is considered benign. This variant is a silent/synonymous amino acid change and it is not expected to impact splicing.

Department of Pathology and Laboratory Medicine, Sinai Health System
Classification: Likely benign for Familial colorectal cancer type X. Last evaluated: 2024-03-08. Review status: criteria provided, single submitter. Criteria: ACMG Guidelines, 2015. Collection method: clinical testing. Allele origin: germline. Affected: yes.

Quest Diagnostics Nichols Institute San Juan Capistrano
Classification: Benign. Last evaluated: 2022-10-10. Review status: criteria provided, single submitter. Criteria: Quest Diagnostics criteria. Collection method: clinical testing. Allele origin: unknown.

Genetic Services Laboratory, University of Chicago
Classification: Likely benign. Last evaluated: 2021-06-15. Review status: criteria provided, single submitter. Criteria: ACMG Guidelines, 2015. Collection method: clinical testing. Allele origin: germline. Affected: no.

Sema4
Classification: Benign for Hereditary cancer-predisposing syndrome. Last evaluated: 2020-12-23. Review status: criteria provided, single submitter. Criteria: Sema4 Curation Guidelines. Collection method: curation. Allele origin: germline.

ARUP Laboratories, Molecular Genetics and Genomics, ARUP Laboratories
Classification: Likely benign. Last evaluated: 2018-01-24. Review status: criteria provided, single submitter. Criteria: ARUP Molecular Germline Variant Investigation Process. Collection method: clinical testing. Allele origin: germline.
Comment: The BMPR1A c.961C>T; p.Leu321Leu variant (rs377412651), to our knowledge, is not reported in the medical literature but is reported as benign or likely benign in ClinVar (Variation ID: 184634). This variant is observed in the general population with an overall allele frequency of 0.02% (55/276926 alleles) in the Genome Aggregation Database. This is a synonymous change and computational algorithms do not predict this variant to impact splicing (Alamut v.2.10). Based on available information, this variant is considered likely benign.

Women's Health and Genetics/Laboratory Corporation of America, LabCorp
Classification: Benign. Last evaluated: 2017-07-21. Review status: criteria provided, single submitter. Criteria: LabCorp Variant Classification Summary - May 2015. Collection method: clinical testing. Allele origin: germline.
Comment: Variant summary: The BMPR1A c.961C>T (p.Leu321Leu) variant involves the alteration of a conserved nucleotide causing a synonymous change and 5/5 splice prediction tools predict no significant impact on normal splicing. ESE finder predicts that this variant may create an ESE binding site. However, these predictions have yet to be confirmed by functional studies. This variant was found in 55/276926 control chromosomes at a frequency of 0.0001986, which is approximately 99 times the estimated maximal expected allele frequency of a pathogenic BMPR1A variant (0.000002), suggesting this variant is likely a benign polymorphism. In addition, multiple clinical diagnostic laboratories/reputable databases classified this variant as likely benign/benign. Taken together, this variant is classified as benign.

Illumina Laboratory Services, Illumina
Classification: Benign for Juvenile polyposis syndrome. Last evaluated: 2017-06-20. Review status: criteria provided, single submitter. Criteria: ICSL Variant Classification Criteria 13 December 2019. Collection method: clinical testing. Allele origin: germline.
Comment: This variant was observed as part of a predisposition screen in an ostensibly healthy population. A literature search was performed for the gene, cDNA change, and amino acid change (where applicable). No publications were found based on this search. Allele frequency data from public databases was too high to be consistent with this variant causing disease. Therefore, this variant is classified as benign.

Color Diagnostics, LLC DBA Color Health
Classification: Likely benign for Hereditary cancer-predisposing syndrome. Last evaluated: 2016-03-21. Review status: criteria provided, single submitter. Criteria: ACMG Guidelines, 2015. Collection method: clinical testing. Allele origin: germline.

GeneDx
Classification: Benign. Last evaluated: 2015-04-28. Review status: criteria provided, single submitter. Criteria: GeneDx Variant Classification (06012015). Collection method: clinical testing. Allele origin: germline. Affected: yes.
Comment: This variant is considered likely benign or benign based on one or more of the following criteria: it is a conservative change, it occurs at a poorly conserved position in the protein, it is predicted to be benign by multiple in silico algorithms, and/or has population frequency not consistent with disease.

Ambry Genetics
Classification: Likely benign for Hereditary cancer-predisposing syndrome. Last evaluated: 2014-10-31. Review status: criteria provided, single submitter. Criteria: Ambry Variant Classification Scheme 2023. Collection method: clinical testing. Allele origin: germline.

PreventionGenetics, part of Exact Sciences
Classification: Likely benign for BMPR1A-related condition. Last evaluated: 2020-05-14. Review status: no assertion criteria provided. Collection method: clinical testing. Allele origin: germline. Not counted in ClinVar's aggregate classification.
Comment: This variant is classified as likely benign based on ACMG/AMP sequence variant interpretation guidelines (Richards et al. 2015 PMID: 25741868, with internal and published modifications).

Wendy Chung Laboratory, Boston Children's Hospital
No classification provided. Condition: Pulmonary arterial hypertension. Review status: no classification provided. Collection method: literature only. Allele origin: germline. Affected: yes. Not counted in ClinVar's aggregate classification.

Literature cited by the submitters: PubMed 31727138 (cited by Quest Diagnostics Nichols Institute San Juan Capistrano and Wendy Chung Laboratory, Boston Children's Hospital); PubMed 24121792 (cited by Women's Health and Genetics/Laboratory Corporation of America, LabCorp).

NM_004329.3(BMPR1A):c.961C>T (p.Leu321=)

Gene: BMPR1A (bone morphogenetic protein receptor type 1A; plus strand). Cytogenetic location: 10q23.2.
Variant type: single nucleotide variant.
Coding change: c.961C>T on transcript NM_004329.3 (MANE Select); coding-DNA position 961, C replaced by T.
Protein change: p.Leu321=; no amino-acid change (leucine 321 retained).
Molecular consequence: synonymous variant.
Genome position (GRCh38, 1-based): chr10:86,919,264, C>T. VCF-style: chr10-86919264-C-T. GRCh37 (hg19) VCF-style: chr10-88679021-C-T.
Other names: p.Leu321=.
Identifiers: ClinVar variation 184634 (VCV000184634.41), dbSNP rs377412651, ClinGen allele CA189522.